The following is an entry in ClinVar:

ClinVar aggregate classification (germline): Uncertain significance (1 of 4 stars; one submission).

Submission:

Labcorp Genetics (formerly Invitae), Labcorp
Classification: Uncertain significance. Last evaluated: 2024-04-13. Review status: criteria provided, single submitter. Criteria: Invitae Variant Classification Sherloc (09022015). Collection method: clinical testing. Allele origin: germline.
Comment: This sequence change replaces tyrosine, which is neutral and polar, with cysteine, which is neutral and slightly polar, at codon 12 of the COX14 protein (p.Tyr12Cys). This variant is present in population databases (rs138045987, gnomAD 0.007%). This variant has not been reported in the literature in individuals affected with COX14-related conditions. An algorithm developed to predict the effect of missense changes on protein structure and function (PolyPhen-2) suggests that this variant is likely to be disruptive. In summary, the available evidence is currently insufficient to determine the role of this variant in disease. Therefore, it has been classified as a Variant of Uncertain Significance.

NM_032901.4(COX14):c.35A>G (p.Tyr12Cys)

Gene: COX14 (cytochrome c oxidase assembly factor COX14; plus strand). Cytogenetic location: 12q13.12.
Variant type: single nucleotide variant.
Coding change: c.35A>G on transcript NM_032901.4 (MANE Select); coding-DNA position 35, A replaced by G.
Protein change: p.Tyr12Cys; replaces tyrosine 12 with cysteine.
Molecular consequence: missense variant.
Genome position (GRCh38, 1-based): chr12:50,120,078, A>G. VCF-style: chr12-50120078-A-G. GRCh37 (hg19) VCF-style: chr12-50513861-A-G.
Other names: c.35A>G, p.Tyr12Cys (NM_001257133.2, NM_001257134.2); short protein forms Y12C.
Identifiers: ClinVar variation 3614885 (VCV003614885.2).